The following is an entry in ClinVar:

NM_000284.4(PDHA1):c.193_195delinsCAA (p.Tyr65Gln)

Gene: PDHA1 (pyruvate dehydrogenase E1 subunit alpha 1; plus strand). Cytogenetic location: Xp22.12.
Variant type: Indel.
Coding change: c.193_195delinsCAA on transcript NM_000284.4 (MANE Select); coding-DNA positions 193 to 195, TAC replaced by CAA.
Protein change: p.Tyr65Gln; replaces tyrosine 65 with glutamine.
Molecular consequence: missense variant.
Genome position (GRCh38, 1-based): chrX:19,350,012-19,350,014, TAC replaced by CAA. VCF-style: chrX-19350012-TAC-CAA. GRCh37 (hg19) VCF-style: chrX-19368130-TAC-CAA.
Other names: c.307_309delinsCAA, p.Tyr103Gln (NM_001173454.2); c.193_195delinsCAA, p.Tyr65Gln (NM_001173455.2, NM_001173456.2); short protein forms Y103Q, Y65Q.
Identifiers: ClinVar variation 4070297 (VCV004070297.1).

ClinVar aggregate classification (germline): Pathogenic (0 of 4 stars; one submission).

Conditions:
Pyruvate dehydrogenase E1-alpha deficiency (PDHAD). Also called: ATAXIA, INTERMITTENT, WITH PYRUVATE DEHYDROGENASE DEFICIENCY; ATAXIA WITH LACTIC ACIDOSIS I; ATAXIA, INTERMITTENT, WITH ABNORMAL PYRUVATE METABOLISM; Ataxia, intermittent, with pyruvate dehydrogenase, or decarboxylase, deficiency. Identifiers: Orphanet 79243, MedGen C1839413, MONDO:0010717, OMIM 312170.

Submission:

PDHA1 Study Group, University Children’s Hospital, Paracelsus Medical University
Classification: Pathogenic for Pyruvate dehydrogenase E1-alpha deficiency. Last evaluated: 2024-10-15. Review status: no assertion criteria provided. Collection method: research. Allele origin: de novo. Affected: yes. Observed: 1 variant allele.
Comment: The NM_000284.3:c.193_195delinsCAA (p.Tyr65Gln) change is a deletion-insertion (delins) variant in PDHA1 gene. Among them, 1 case had confirmed de novo occurrence. Last literature search: July 12, 2024. This variant is absent or extremely rare in population-based cohorts in the Genome Aggregation Database (gnomAD). Individuals harboring this variant presented with clinical features compatible with PDHA1-related PDHc deficiency. In summary, this variant meets criteria to be classified as pathogenic (P) for PDHA1-related PDHc deficiency based on the ACMG/AMP criteria applied: PS2, PS3, PM2, PM4, PM7 (last assessment October 15, 2024).

Literature cited by the submitters: DOI 10.1093/brain/awaf430.